The following is an entry in ClinVar:

ClinVar aggregate classification (germline): Uncertain significance (1 of 4 stars; one submission).

Conditions:
Hereditary cancer-predisposing syndrome. Also called: Hereditary Cancer Syndrome; Hereditary neoplastic syndrome; Neoplastic Syndromes, Hereditary; Tumor predisposition. Identifiers: Orphanet 140162, MedGen C0027672, MeSH D009386, MONDO:0015356.

Allele frequency attached by ClinVar (database versions not stated): gnomAD exomes below 0.00001.
gnomAD v4.1: 1 of 1,614,036 alleles (0.000062%); no homozygotes.

Submission:

Ambry Genetics
Classification: Uncertain significance for Hereditary cancer-predisposing syndrome. Last evaluated: 2022-10-12. Review status: criteria provided, single submitter. Criteria: Ambry Variant Classification Scheme 2023. Collection method: clinical testing. Allele origin: germline.
Comment: The p.L439F variant (also known as c.1315C>T), located in coding exon 8 of the MSH3 gene, results from a C to T substitution at nucleotide position 1315. The leucine at codon 439 is replaced by phenylalanine, an amino acid with highly similar properties. This amino acid position is conserved. In addition, this alteration is predicted to be tolerated by in silico analysis. Since supporting evidence is limited at this time, the clinical significance of this alteration remains unclear.

NM_002439.5(MSH3):c.1315C>T (p.Leu439Phe)

Gene: MSH3 (mutS homolog 3; plus strand). Cytogenetic location: 5q14.1.
Variant type: single nucleotide variant.
Coding change: c.1315C>T on transcript NM_002439.5 (MANE Select); coding-DNA position 1315, C replaced by T.
Protein change: p.Leu439Phe; replaces leucine 439 with phenylalanine.
Molecular consequence: missense variant.
Genome position (GRCh38, 1-based): chr5:80,679,068, C>T. VCF-style: chr5-80679068-C-T. GRCh37 (hg19) VCF-style: chr5-79974887-C-T.
Other names: short protein forms L439F.
Identifiers: ClinVar variation 1769778 (VCV001769778.2), dbSNP rs1348830157, ClinGen allele CA360269104.